The following is an entry in ClinVar:

NM_000126.4(ETFA):c.974A>G (p.Glu325Gly)

Gene: ETFA (electron transfer flavoprotein subunit alpha; minus strand). Cytogenetic location: 15q24.2.
Variant type: single nucleotide variant.
Coding change: c.974A>G on transcript NM_000126.4 (MANE Select); coding-DNA position 974, A replaced by G.
Protein change: p.Glu325Gly; replaces glutamic acid 325 with glycine.
Molecular consequence: missense variant.
Genome position (GRCh38, 1-based): chr15:76,216,587, T>C on the plus strand (A>G on the coding strand, the complement: ETFA is on the minus strand). VCF-style: chr15-76216587-T-C. GRCh37 (hg19) VCF-style: chr15-76508928-T-C.
Other names: c.827A>G, p.Glu276Gly (NM_001127716.2); short protein forms E276G, E325G.
Identifiers: ClinVar variation 2009024 (VCV002009024.4), dbSNP rs1203703753, ClinGen allele CA393512223.

ClinVar aggregate classification (germline): Uncertain significance (1 of 4 stars; one submission).

Conditions:
Multiple acyl-CoA dehydrogenase deficiency (MADD). Also called: Glutaric Acidemia type 2; ETHYLMALONIC-ADIPICACIDURIA; GA II; Glutaric aciduria, type 2; Glutaric acidemia type II; GA 2. Identifiers: Orphanet 26791, MedGen C0268596, MONDO:0009282, OMIM 231680.

Allele frequency attached by ClinVar (database versions not stated): gnomAD exomes below 0.00001; TOPMed below 0.00001.
gnomAD v4.1: 1 of 1,591,122 alleles (0.000063%); highest among the groups gnomAD compares: Admixed American, 0.0017%; no homozygotes.

Submission:

Labcorp Genetics (formerly Invitae), Labcorp
Classification: Uncertain significance for Multiple acyl-CoA dehydrogenase deficiency. Last evaluated: 2022-03-28. Review status: criteria provided, single submitter. Criteria: Invitae Variant Classification Sherloc (09022015). Collection method: clinical testing. Allele origin: germline.
Comment: In summary, the available evidence is currently insufficient to determine the role of this variant in disease. Therefore, it has been classified as a Variant of Uncertain Significance. Algorithms developed to predict the effect of missense changes on protein structure and function are either unavailable or do not agree on the potential impact of this missense change (SIFT: "Deleterious"; PolyPhen-2: "Benign"; Align-GVGD: "Class C0"). This variant has not been reported in the literature in individuals affected with ETFA-related conditions. This variant is not present in population databases (gnomAD no frequency). This sequence change replaces glutamic acid, which is acidic and polar, with glycine, which is neutral and non-polar, at codon 325 of the ETFA protein (p.Glu325Gly).